The following is an entry in ClinVar:

ClinVar aggregate classification (germline): Conflicting classifications of pathogenicity. Review status: criteria provided, conflicting classifications (1 of 4 stars). 2 submissions from 2 submitters: Uncertain significance (1); Benign (1). Last evaluated 2022-10-06.

Conditions:
Congenital contractural arachnodactyly (CCA). Also called: BEALS SYNDROME; Beals-Hecht syndrome; Arthrogryposis, distal, type 9. Identifiers: Orphanet 115, MedGen C0220668, MONDO:0007363, OMIM 121050.

Submissions (2):

Labcorp Genetics (formerly Invitae), Labcorp
Classification: Uncertain significance for Congenital contractural arachnodactyly. Last evaluated: 2022-10-06. Review status: criteria provided, single submitter. Criteria: Invitae Variant Classification Sherloc (09022015). Collection method: clinical testing. Allele origin: germline.
Comment: Advanced modeling of protein sequence and biophysical properties (such as structural, functional, and spatial information, amino acid conservation, physicochemical variation, residue mobility, and thermodynamic stability) performed at Invitae indicates that this missense variant is not expected to disrupt FBN2 protein function. In summary, the available evidence is currently insufficient to determine the role of this variant in disease. Therefore, it has been classified as a Variant of Uncertain Significance. ClinVar contains an entry for this variant (Variation ID: 1685127). This sequence change replaces isoleucine, which is neutral and non-polar, with threonine, which is neutral and polar, at codon 1373 of the FBN2 protein (p.Ile1373Thr). This variant is not present in population databases (gnomAD no frequency). This variant has not been reported in the literature in individuals affected with FBN2-related conditions.

Mendelics
Classification: Benign. Last evaluated: 2022-05-04. Review status: criteria provided, single submitter. Criteria: Mendelics Assertion Criteria 2019. Collection method: clinical testing. Allele origin: germline.

NM_001999.4(FBN2):c.4118T>C (p.Ile1373Thr)

Gene: FBN2 (fibrillin 2; minus strand). Cytogenetic location: 5q23.3.
Variant type: single nucleotide variant.
Coding change: c.4118T>C on transcript NM_001999.4 (MANE Select); coding-DNA position 4118, T replaced by C.
Protein change: p.Ile1373Thr; replaces isoleucine 1373 with threonine.
Molecular consequence: missense variant.
Genome position (GRCh38, 1-based): chr5:128,333,016, A>G on the plus strand (T>C on the coding strand, the complement: FBN2 is on the minus strand). VCF-style: chr5-128333016-A-G. GRCh37 (hg19) VCF-style: chr5-127668708-A-G.
Other names: short protein forms I1373T.
Identifiers: ClinVar variation 1685127 (VCV001685127.6), dbSNP rs971727405, ClinGen allele CA127007021.